The following is an entry in ClinVar:

NM_000079.4(CHRNA1):c.345-3T>C

Gene: CHRNA1 (cholinergic receptor nicotinic alpha 1 subunit; minus strand). Cytogenetic location: 2q31.1.
Variant type: single nucleotide variant.
Coding change: c.345-3T>C on transcript NM_000079.4 (MANE Select); 3 bases into the intron before coding-DNA position 345, T replaced by C.
Molecular consequence: intron variant.
Genome position (GRCh38, 1-based): chr2:174,754,417, A>G on the plus strand (T>C on the coding strand, the complement: CHRNA1 is on the minus strand). VCF-style: chr2-174754417-A-G. GRCh37 (hg19) VCF-style: chr2-175619145-A-G.
Other names: c.420-3T>C (NM_001039523.3).
Identifiers: ClinVar variation 2143765 (VCV002143765.4), dbSNP rs2468895373, ClinGen allele CA2580064545.

ClinVar aggregate classification (germline): Uncertain significance (1 of 4 stars; one submission).

Conditions:
Lethal multiple pterygium syndrome (LMPS). Identifiers: Orphanet 33108, MedGen C1854678, MONDO:0009668, OMIM 253290.

gnomAD v4.1: 1 of 1,613,876 alleles (0.000062%); no homozygotes.

Submission:

Labcorp Genetics (formerly Invitae), Labcorp
Classification: Uncertain significance for Lethal multiple pterygium syndrome. Last evaluated: 2022-07-11. Review status: criteria provided, single submitter. Criteria: Invitae Variant Classification Sherloc (09022015). Collection method: clinical testing. Allele origin: germline.
Comment: This sequence change falls in intron 4 of the CHRNA1 gene. It does not directly change the encoded amino acid sequence of the CHRNA1 protein. It affects a nucleotide within the consensus splice site. In summary, the available evidence is currently insufficient to determine the role of this variant in disease. Therefore, it has been classified as a Variant of Uncertain Significance. Variants that disrupt the consensus splice site are a relatively common cause of aberrant splicing (PMID: 17576681, 9536098). Algorithms developed to predict the effect of sequence changes on RNA splicing suggest that this variant is not likely to affect RNA splicing. This variant has not been reported in the literature in individuals affected with CHRNA1-related conditions. This variant is not present in population databases (gnomAD no frequency).

Literature cited by the submitters: PubMed 17576681; PubMed 9536098.